The following is an entry in ClinVar:

ClinVar aggregate classification (germline): Uncertain significance (1 of 4 stars; one submission).

Conditions:
Inborn genetic diseases. Identifiers: MedGen C0950123, MeSH D030342.

Allele frequency attached by ClinVar (database versions not stated): gnomAD exomes below 0.00001.
gnomAD v4.1: 1 of 1,613,858 alleles (0.000062%); highest among the groups gnomAD compares: Non-Finnish European, 0.000085%; no homozygotes.

Submission:

Ambry Genetics
Classification: Uncertain significance for Inborn genetic diseases. Last evaluated: 2023-09-22. Review status: criteria provided, single submitter. Criteria: Ambry Variant Classification Scheme 2023. Collection method: clinical testing. Allele origin: germline.
Comment: The p.A295P variant (also known as c.883G>C), located in coding exon 7 of the ACD gene, results from a G to C substitution at nucleotide position 883. The alanine at codon 295 is replaced by proline, an amino acid with highly similar properties. This amino acid position is conserved. In addition, this alteration is predicted to be tolerated by in silico analysis. Since supporting evidence is limited at this time, the clinical significance of this alteration remains unclear.

NM_001082486.2(ACD):c.625G>C (p.Ala209Pro)

Gene: ACD (ACD shelterin complex subunit and telomerase recruitment factor; minus strand). Cytogenetic location: 16q22.1.
Variant type: single nucleotide variant.
Coding change: c.625G>C on transcript NM_001082486.2 (MANE Select); coding-DNA position 625, G replaced by C.
Protein change: p.Ala209Pro; replaces alanine 209 with proline.
Molecular consequence: missense variant.
Genome position (GRCh38, 1-based): chr16:67,658,948, C>G on the plus strand (G>C on the coding strand, the complement: ACD is on the minus strand). VCF-style: chr16-67658948-C-G. GRCh37 (hg19) VCF-style: chr16-67692851-C-G.
Other names: c.625G>C, p.Ala209Pro (NM_001410884.1); c.616G>C, p.Ala206Pro (NM_022914.3); short protein forms A206P, A209P.
Identifiers: ClinVar variation 3232690 (VCV003232690.1), dbSNP rs1443234203, ClinGen allele CA396353921.
Genomic context (GRCh38, chr16:67,658,948, plus strand): 5'-TCCTCACCCTGACATCTCCCAAGCAAATCCCCAGACTGACCGTGGCCTTGCATCGTGAGG[C>G]AGCCCAGTGGGTGACAGGGGGTGCTGTGCAAGGGCCCTCCAGTGTCAGGCAGCTTTCAGC-3'
Protein context (NP_001075955.2, residues 199-219): CTAPPVTHWA[Ala209Pro]SRCKATGEAV